The following is an entry in ClinVar:

ClinVar aggregate classification (germline): Pathogenic (1 of 4 stars; one submission).

Conditions:
Kabuki syndrome 2 (KABUK2). Also called: KDM6A-Related Kabuki Syndrome. Identifiers: Orphanet 2322, MedGen C3275495, MONDO:0010465, OMIM 300867.

Submission:

Juno Genomics, Hangzhou Juno Genomics, Inc
Classification: Pathogenic for Kabuki syndrome 2. Review status: criteria provided, single submitter. Criteria: ACMG Guidelines, 2015. Collection method: clinical testing. Allele origin: germline. Affected: yes.
Comment: Null variant in a gene where loss of function (LOF) is a known mechanism of disease.;Absent from controls (or at extremely low frequency if recessive) in Genome Aggregation Database, Exome Sequencing Project, 1000 Genomes Project, or Exome Aggregation Consortium.;Assumed de novo, but without confirmation of paternity and maternity.;Patient's phenotype or family history is highly specific for a disease with a single genetic etiology.

NM_001291415.2(KDM6A):c.562_563dup (p.His189fs)

Gene: KDM6A (lysine demethylase 6A; plus strand). Cytogenetic location: Xp11.3.
Variant type: Duplication.
Coding change: c.562_563dup on transcript NM_001291415.2 (MANE Select); coding-DNA positions 562 to 563, 2 bases duplicated (AA; older notation c.562_563dupAA).
Protein change: p.His189fs; shifts the reading frame from histidine 189.
Molecular consequence: frameshift variant. On other transcripts: non-coding transcript variant (1), intron variant (1).
Genome position (GRCh38, 1-based): chrX:45,020,728-45,020,729, AA duplicated; duplicating any 2 consecutive bases within chrX:45,020,727-45,020,729 gives the same sequence; the c. name uses the placement nearest the transcript's 3' end. VCF-style (leftmost placement, unchanged base first): chrX-45020726-T-TAA. GRCh37 (hg19) VCF-style: chrX-44879971-T-TAA.
Other names: c.562_563dup, p.His189fs (NM_001291416.2, NM_001291417.2, NM_001291418.2 and 9 more transcripts); c.-190+9709_-190+9710dup (NM_001291421.2); short protein forms H189fs.
Identifiers: ClinVar variation 3383038 (VCV003383038.2).